The following is an entry in ClinVar:

ClinVar aggregate classification (germline): Likely benign (1 of 4 stars; one submission).

Allele frequency attached by ClinVar (database versions not stated): gnomAD 0.00001; gnomAD exomes 0.00001; TOPMed 0.00002; ExAC 0.00003.
gnomAD v4.1: 17 of 1,505,714 alleles (0.0011%); highest among the groups gnomAD compares: South Asian, 0.0052%; no homozygotes.

Submission:

CeGaT Center for Human Genetics Tuebingen
Classification: Likely benign. Last evaluated: 2022-06-01. Review status: criteria provided, single submitter. Criteria: CeGaT Center For Human Genetics Tuebingen Variant Classification Criteria Version 2. Collection method: clinical testing. Allele origin: germline. Affected: yes. Observed: 1 variant allele.
Comment: CLMN: BP4, BP7

NM_024734.4(CLMN):c.615C>T (p.Gly205=)

Gene: CLMN (calmin; minus strand). Cytogenetic location: 14q32.13.
Variant type: single nucleotide variant.
Coding change: c.615C>T on transcript NM_024734.4 (MANE Select); coding-DNA position 615, C replaced by T.
Protein change: p.Gly205=; no amino-acid change (glycine 205 retained).
Molecular consequence: synonymous variant.
Genome position (GRCh38, 1-based): chr14:95,210,873, G>A on the plus strand (C>T on the coding strand, the complement: CLMN is on the minus strand). VCF-style: chr14-95210873-G-A. GRCh37 (hg19) VCF-style: chr14-95677210-G-A.
Identifiers: ClinVar variation 2644495 (VCV002644495.24), dbSNP rs749122559, ClinGen allele CA7332385.